The following is an entry in ClinVar:

ClinVar aggregate classification (germline): Uncertain significance. Review status: criteria provided, multiple submitters, no conflicts (2 of 4 stars). 2 submissions from 2 submitters: Uncertain significance (2). Last evaluated 2024-05-28.

Conditions:
Inborn genetic diseases. Identifiers: MedGen C0950123, MeSH D030342.

Allele frequency attached by ClinVar (database versions not stated): TOPMed 0.00001; gnomAD 0.00003; gnomAD exomes 0.00004 and 0.00012; ExAC 0.00010; 1000 Genomes Project 0.00040; 1000 Genomes Project 30x 0.00047.
gnomAD v4.1: 67 of 1,613,916 alleles (0.0042%); highest among the groups gnomAD compares: South Asian, 0.064%; no homozygotes.

Submissions (2):

Ambry Genetics
Classification: Uncertain significance for Inborn genetic diseases. Last evaluated: 2024-05-28. Review status: criteria provided, single submitter. Criteria: Ambry Variant Classification Scheme 2023. Collection method: clinical testing. Allele origin: germline.

Labcorp Genetics (formerly Invitae), Labcorp
Classification: Uncertain significance. Last evaluated: 2021-09-24. Review status: criteria provided, single submitter. Criteria: Invitae Variant Classification Sherloc (09022015). Collection method: clinical testing. Allele origin: germline.
Comment: This sequence change replaces arginine with glutamine at codon 428 of the C8B protein (p.Arg428Gln). The arginine residue is highly conserved and there is a small physicochemical difference between arginine and glutamine. This variant is present in population databases (rs199592536, ExAC 0.07%). This variant has not been reported in the literature in individuals with C8B-related conditions. Algorithms developed to predict the effect of missense changes on protein structure and function output the following: SIFT: "Deleterious"; PolyPhen-2: "Benign"; Align-GVGD: "Class C0". The glutamine amino acid residue is found in multiple mammalian species, suggesting that this missense change does not adversely affect protein function. These predictions have not been confirmed by published functional studies and their clinical significance is uncertain. In summary, the available evidence is currently insufficient to determine the role of this variant in disease. Therefore, it has been classified as a Variant of Uncertain Significance.

NM_000066.4(C8B):c.1283G>A (p.Arg428Gln)

Gene: C8B (complement C8 beta chain; minus strand). Cytogenetic location: 1p32.2.
Variant type: single nucleotide variant.
Coding change: c.1283G>A on transcript NM_000066.4 (MANE Select); coding-DNA position 1283, G replaced by A.
Protein change: p.Arg428Gln; replaces arginine 428 with glutamine.
Molecular consequence: missense variant.
Genome position (GRCh38, 1-based): chr1:56,940,964, C>T on the plus strand (G>A on the coding strand, the complement: C8B is on the minus strand). VCF-style: chr1-56940964-C-T. GRCh37 (hg19) VCF-style: chr1-57406637-C-T.
Other names: c.1127G>A, p.Arg376Gln (NM_001278543.2); c.1097G>A, p.Arg366Gln (NM_001278544.2); c.1283G>A (NM_000066.2); short protein forms R366Q, R376Q, R428Q.
Identifiers: ClinVar variation 1444760 (VCV001444760.7), dbSNP rs199592536, ClinGen allele CA875686.
Genomic context (GRCh38, chr1:56,940,964, plus strand): 5'-AGGTCCGCCGTCGGCAGCTCCTGGTATGCCAGGGTGGTGATGTGCTCACTTGCCCCTCCT[C>T]GTACCAGGACCACCAAGTCCTCCACCATGGTGTCCCTCTTGTTTCTGTCTGGAATGGACA-3'
Protein context (NP_000057.3, residues 418-438): TMVEDLVVLV[Arg428Gln]GGASEHITTL